The following is an entry in ClinVar:

ClinVar aggregate classification (germline): Uncertain significance. Review status: criteria provided, multiple submitters, no conflicts (2 of 4 stars). 2 submissions from 2 submitters: Uncertain significance (2). Last evaluated 2024-12-28.

Conditions:
Acute myeloid leukemia (AML). Also called: Leukemia, acute myeloid, somatic; Leukemia, acute myelogenous, somatic; Acute myeloid leukemia, adult; AML adult; Acute non-lymphocytic leukemia; Acute granulocytic leukemia. Identifiers: Orphanet 519, MedGen C0023467, MeSH D015470, MONDO:0018874, OMIM 601626, HP:0004808. Disease mechanism: Constitutively activated FLT3.
Inborn genetic diseases. Identifiers: MedGen C0950123, MeSH D030342.

Allele frequency attached by ClinVar (database versions not stated): TOPMed below 0.00001.

Submissions (2):

Ambry Genetics
Classification: Uncertain significance for Inborn genetic diseases. Last evaluated: 2024-12-28. Review status: criteria provided, single submitter. Criteria: Ambry Variant Classification Scheme 2023. Collection method: clinical testing. Allele origin: germline.
Comment: The p.V119L variant (also known as c.355G>C), located in coding exon 1 of the CEBPA gene, results from a G to C substitution at nucleotide position 355. The valine at codon 119 is replaced by leucine, an amino acid with highly similar properties. This amino acid position is conserved. In addition, this alteration is predicted to be tolerated by in silico analysis. Based on the available evidence, the clinical significance of this variant remains unclear.

Labcorp Genetics (formerly Invitae), Labcorp
Classification: Uncertain significance for Acute myeloid leukemia. Last evaluated: 2023-08-16. Review status: criteria provided, single submitter. Criteria: Invitae Variant Classification Sherloc (09022015). Collection method: clinical testing. Allele origin: germline.
Comment: An algorithm developed to predict the effect of missense changes on protein structure and function (PolyPhen-2) suggests that this variant is likely to be tolerated. In summary, the available evidence is currently insufficient to determine the role of this variant in disease. Therefore, it has been classified as a Variant of Uncertain Significance. ClinVar contains an entry for this variant (Variation ID: 1053984). This variant has not been reported in the literature in individuals affected with CEBPA-related conditions. The frequency data for this variant in the population databases is considered unreliable, as metrics indicate insufficient coverage at this position in the gnomAD database. This sequence change replaces valine, which is neutral and non-polar, with leucine, which is neutral and non-polar, at codon 119 of the CEBPA protein (p.Val119Leu).

NM_004364.5(CEBPA):c.355G>C (p.Val119Leu)

Gene: CEBPA (CCAAT enhancer binding protein alpha; minus strand). Cytogenetic location: 19q13.11.
Variant type: single nucleotide variant.
Coding change: c.355G>C on transcript NM_004364.5 (MANE Select); coding-DNA position 355, G replaced by C.
Protein change: p.Val119Leu; replaces valine 119 with leucine.
Molecular consequence: missense variant. On other transcripts: 5 prime UTR variant (1).
Genome position (GRCh38, 1-based): chr19:33,302,060, C>G on the plus strand (G>C on the coding strand, the complement: CEBPA is on the minus strand). VCF-style: chr19-33302060-C-G. GRCh37 (hg19) VCF-style: chr19-33792966-C-G.
Other names: c.-3G>C (NM_001285829.2); c.460G>C, p.Val154Leu (NM_001287424.2); c.313G>C, p.Val105Leu (NM_001287435.2); c.355G>C (NM_004364.3); short protein forms V105L, V119L, V154L.
Identifiers: ClinVar variation 1053984 (VCV001053984.11), dbSNP rs902740061, ClinGen allele CA307844344.